The following is an entry in ClinVar:

NM_001458.5(FLNC):c.2389+4C>T

Gene: FLNC (filamin C; plus strand). Cytogenetic location: 7q32.1.
Variant type: single nucleotide variant.
Coding change: c.2389+4C>T on transcript NM_001458.5 (MANE Select); 4 bases into the intron after coding-DNA position 2389, C replaced by T.
Molecular consequence: intron variant.
Genome position (GRCh38, 1-based): chr7:128,842,702, C>T. VCF-style: chr7-128842702-C-T. GRCh37 (hg19) VCF-style: chr7-128482756-C-T.
Other names: c.2389+4C>T (NM_001127487.2).
Identifiers: ClinVar variation 390914 (VCV000390914.12), dbSNP rs1057523921, ClinGen allele CA16605041.

ClinVar aggregate classification (germline): Conflicting classifications of pathogenicity. Review status: criteria provided, conflicting classifications (1 of 4 stars). 3 submissions from 3 submitters: Uncertain significance (2); Likely benign (1). Last evaluated 2026-01-21.

Conditions:
Cardiovascular phenotype. Identifiers: MedGen CN230736.
Myofibrillar myopathy 5. Also called: FILAMINOPATHY, AUTOSOMAL DOMINANT; Filaminopathy (type). Identifiers: Orphanet 171445, MedGen C1836050, MONDO:0012289, OMIM 609524.
Distal myopathy with posterior leg and anterior hand involvement. Also called: WILLIAMS DISTAL MYOPATHY. Identifiers: Orphanet 63273, MedGen C3279722, MONDO:0013550, OMIM 614065.
Hypertrophic cardiomyopathy 26. Also called: Cardiomyopathy, familial hypertrophic, 26. Identifiers: Orphanet 75249, MedGen C4310749, MONDO:0014883, OMIM 617047.

Allele frequency attached by ClinVar (database versions not stated): gnomAD 0.00001; gnomAD exomes 0.00001; TOPMed 0.00001.
gnomAD v4.1: 10 of 1,555,086 alleles (0.00064%); highest among the groups gnomAD compares: Admixed American, 0.0058%; no homozygotes.

Submissions (3):

Labcorp Genetics (formerly Invitae), Labcorp
Classification: Uncertain significance for Distal myopathy with posterior leg and anterior hand involvement; Myofibrillar myopathy 5; Hypertrophic cardiomyopathy 26. Last evaluated: 2026-01-21. Review status: criteria provided, single submitter. Criteria: Invitae Variant Classification Sherloc (09022015). Collection method: clinical testing. Allele origin: germline.
Comment: This sequence change falls in intron 15 of the FLNC gene. It does not directly change the encoded amino acid sequence of the FLNC protein. It affects a nucleotide within the consensus splice site. This variant is present in population databases (no rsID available, gnomAD 0.008%). This variant has not been reported in the literature in individuals affected with FLNC-related conditions. ClinVar contains an entry for this variant (Variation ID: 390914). Variants that disrupt the consensus splice site are a relatively common cause of aberrant splicing (PMID: 17576681, 9536098). Algorithms developed to predict the effect of sequence changes on RNA splicing suggest that this variant is not likely to affect RNA splicing. In summary, the available evidence is currently insufficient to determine the role of this variant in disease. Therefore, it has been classified as a Variant of Uncertain Significance.

Ambry Genetics
Classification: Uncertain significance for Cardiovascular phenotype. Last evaluated: 2025-12-05. Review status: criteria provided, single submitter. Criteria: Ambry Variant Classification Scheme 2023. Collection method: clinical testing. Allele origin: germline.
Comment: The c.2389+4C>T intronic variant results from a C to T substitution 4 nucleotides after coding exon 15 in the FLNC gene. This variant was reported in individual(s) with features consistent with hypertrophic or dilated cardiomyopathy (Ambry internal data). This nucleotide position is poorly conserved in available vertebrate species. In silico splice site analysis predicts that this alteration will not have any significant effect on splicing. Based on the available evidence, the clinical significance of this variant remains unclear.

GeneDx
Classification: Likely benign. Last evaluated: 2016-11-18. Review status: criteria provided, single submitter. Criteria: GeneDx Variant Classification (06012015). Collection method: clinical testing. Allele origin: germline. Affected: yes.
Comment: This variant is considered likely benign or benign based on one or more of the following criteria: it is a conservative change, it occurs at a poorly conserved position in the protein, it is predicted to be benign by multiple in silico algorithms, and/or has population frequency not consistent with disease.

Literature cited by the submitters: PubMed 17576681 (cited by Labcorp Genetics (formerly Invitae), Labcorp); PubMed 9536098 (cited by Labcorp Genetics (formerly Invitae), Labcorp).